The following is an entry in ClinVar:

NM_000260.4(MYO7A):c.3797A>G (p.Asp1266Gly)

Gene: MYO7A (myosin VIIA; plus strand). Cytogenetic location: 11q13.5.
Variant type: single nucleotide variant.
Coding change: c.3797A>G on transcript NM_000260.4 (MANE Select); coding-DNA position 3797, A replaced by G.
Protein change: p.Asp1266Gly; replaces aspartic acid 1266 with glycine.
Molecular consequence: missense variant.
Genome position (GRCh38, 1-based): chr11:77,190,743, A>G. VCF-style: chr11-77190743-A-G. GRCh37 (hg19) VCF-style: chr11-76901788-A-G.
Other names: c.3797A>G, p.Asp1266Gly (NM_001127180.2); c.3764A>G, p.Asp1255Gly (NM_001369365.1); short protein forms D1266G, D1255G.
Identifiers: ClinVar variation 557841 (VCV000557841.11), dbSNP rs781670345, ClinGen allele CA6198203.

ClinVar aggregate classification (germline): Uncertain significance. Review status: criteria provided, single submitter (1 of 4 stars). 3 submissions from 3 submitters: Uncertain significance (1). 2 of the submissions do not count toward it. Last evaluated 2025-07-28.

Conditions:
Autosomal recessive nonsyndromic hearing loss 2. Also called: DEAFNESS, AUTOSOMAL RECESSIVE 2; NEUROSENSORY NONSYNDROMIC RECESSIVE DEAFNESS 2. Identifiers: Orphanet 90636, MedGen C1838701, MONDO:0010807, OMIM 600060.
Usher syndrome type 1 (USH1). Also called: RETINITIS PIGMENTOSA AND CONGENITAL DEAFNESS. Identifiers: Orphanet 231169, Orphanet 886, MedGen C1568247, MONDO:0010168, OMIM 276900.
Usher syndrome type 1B (USH1B). Also called: Usher syndrome type IB. Identifiers: MedGen C1848638, MONDO:0700087.

Allele frequency attached by ClinVar (database versions not stated): ExAC below 0.00001; gnomAD exomes 0.00001; gnomAD 0.00003; TOPMed 0.00004.
gnomAD v4.1: 8 of 1,599,666 alleles (0.0005%); highest among the groups gnomAD compares: African/African-American, 0.0094%; no homozygotes.

Submissions (3):

Labcorp Genetics (formerly Invitae), Labcorp
Classification: Uncertain significance. Last evaluated: 2025-07-28. Review status: criteria provided, single submitter. Criteria: Invitae Variant Classification Sherloc (09022015). Collection method: clinical testing. Allele origin: germline.
Comment: This sequence change replaces aspartic acid, which is acidic and polar, with glycine, which is neutral and non-polar, at codon 1266 of the MYO7A protein (p.Asp1266Gly). This variant is present in population databases (rs781670345, gnomAD 0.005%). This missense change has been observed in individual(s) with non-syndromic hearing loss (PMID: 26969326). ClinVar contains an entry for this variant (Variation ID: 557841). Invitae Evidence Modeling of protein sequence and biophysical properties (such as structural, functional, and spatial information, amino acid conservation, physicochemical variation, residue mobility, and thermodynamic stability) has been performed for this missense variant. However, the output from this modeling did not meet the statistical confidence thresholds required to predict the impact of this variant on MYO7A protein function. In summary, the available evidence is currently insufficient to determine the role of this variant in disease. Therefore, it has been classified as a Variant of Uncertain Significance.

Natera, Inc.
Classification: Uncertain significance for Usher syndrome type 1B. Last evaluated: 2020-11-05. Review status: no assertion criteria provided. Collection method: clinical testing. Allele origin: germline. Not counted in ClinVar's aggregate classification.

Counsyl
Classification: Uncertain significance for Usher syndrome type 1; Autosomal recessive nonsyndromic hearing loss 2. Last evaluated: 2018-04-09. Review status: no assertion criteria provided. Collection method: clinical testing. Allele origin: unknown. Not counted in ClinVar's aggregate classification.

Literature cited by the submitters: PubMed 26969326 (cited by Labcorp Genetics (formerly Invitae), Labcorp and Counsyl).